The following is an entry in ClinVar:

ClinVar aggregate classification (germline): Likely benign. Review status: criteria provided, multiple submitters, no conflicts (2 of 4 stars). 2 submissions from 2 submitters: Likely benign (2). Last evaluated 2026-06-22.

Conditions:
CRB2-related disorder. Also called: CRB2-related disorders; CRB2-related condition.

Allele frequency attached by ClinVar (database versions not stated): gnomAD exomes 0.00002; gnomAD 0.00003 and 0.00004; TOPMed 0.00003; ExAC 0.00007.

Submissions (2):

PreventionGenetics, part of Exact Sciences
Classification: Likely benign for CRB2-related condition. Last evaluated: 2026-06-22. Review status: criteria provided, single submitter. Criteria: ACMG Guidelines, 2015. Collection method: clinical testing. Allele origin: germline.
Comment: This variant is classified as likely benign based on ACMG/AMP sequence variant interpretation guidelines (Richards et al. 2015 PMID: 25741868, with internal and published modifications).

Labcorp Genetics (formerly Invitae), Labcorp
Classification: Likely benign. Last evaluated: 2025-07-20. Review status: criteria provided, single submitter. Criteria: Invitae Variant Classification Sherloc (09022015). Collection method: clinical testing. Allele origin: germline.

NM_173689.7(CRB2):c.645C>T (p.Tyr215=)

Gene: CRB2 (crumbs cell polarity complex component 2; plus strand). Cytogenetic location: 9q33.3.
Variant type: single nucleotide variant.
Coding change: c.645C>T on transcript NM_173689.7 (MANE Select); coding-DNA position 645, C replaced by T.
Protein change: p.Tyr215=; no amino-acid change (tyrosine 215 retained).
Molecular consequence: synonymous variant.
Genome position (GRCh38, 1-based): chr9:123,366,257, C>T. VCF-style: chr9-123366257-C-T. GRCh37 (hg19) VCF-style: chr9-126128536-C-T.
Other names: c.645C>T (NM_173689.6).
Identifiers: ClinVar variation 1638547 (VCV001638547.9), dbSNP rs753590043, ClinGen allele CA5231730.
Genomic context (GRCh38, chr9:123,366,257, plus strand): 5'-CGCTCAGCTCCGCCGGTGCGCCCTCCCCAGGTTCCGGTGCGACTGCGCGGGCACCGGCTA[C>T]GAGGGCACGCACTGCGAGCGGGAGGTGCTGGAGTGCGCATCGGCGCCCTGCGAGCACAAC-3'
Protein context (NP_775960.4, residues 205-225): GFRCDCAGTG[Tyr215=]EGTHCEREVL